The following is an entry in ClinVar:

ClinVar aggregate classification (germline): Uncertain significance (1 of 4 stars; one submission).

Conditions:
Inborn genetic diseases. Identifiers: MedGen C0950123, MeSH D030342.

gnomAD v4.1: 1 of 1,613,946 alleles (0.000062%); highest among the groups gnomAD compares: Non-Finnish European, 0.000085%; no homozygotes.

Submission:

Ambry Genetics
Classification: Uncertain significance for Inborn genetic diseases. Last evaluated: 2024-09-19. Review status: criteria provided, single submitter. Criteria: Ambry Variant Classification Scheme 2023. Collection method: clinical testing. Allele origin: germline.
Comment: The p.D988V variant (also known as c.2963A>T), located in coding exon 23 of the LRRK2 gene, results from an A to T substitution at nucleotide position 2963. The aspartic acid at codon 988 is replaced by valine, an amino acid with highly dissimilar properties. This amino acid position is conserved. In addition, this alteration is predicted to be deleterious by in silico analysis. Based on the available evidence, the clinical significance of this variant remains unclear.

NM_198578.4(LRRK2):c.2963A>T (p.Asp988Val)

Gene: LRRK2 (leucine rich repeat kinase 2; plus strand). Cytogenetic location: 12q12.
Variant type: single nucleotide variant.
Coding change: c.2963A>T on transcript NM_198578.4 (MANE Select); coding-DNA position 2963, A replaced by T.
Protein change: p.Asp988Val; replaces aspartic acid 988 with valine.
Molecular consequence: missense variant.
Genome position (GRCh38, 1-based): chr12:40,295,511, A>T. VCF-style: chr12-40295511-A-T. GRCh37 (hg19) VCF-style: chr12-40689313-A-T.
Other names: short protein forms D988V.
Identifiers: ClinVar variation 3540686 (VCV003540686.1).